The following is an entry in ClinVar:

ClinVar aggregate classification (germline): Uncertain significance (1 of 4 stars; one submission).

Submission:

GeneDx
Classification: Uncertain significance. Last evaluated: 2025-10-13. Review status: criteria provided, single submitter. Criteria: GeneDx Variant Classification Process June 2021. Collection method: clinical testing. Allele origin: germline. Affected: yes.
Comment: In silico analysis supports that this missense variant has a deleterious effect on protein structure/function; Has not been previously published as pathogenic or benign to our knowledge

NM_001042681.2(RERE):c.4455C>A (p.His1485Gln)

Gene: RERE (arginine-glutamic acid dipeptide repeats; minus strand). Cytogenetic location: 1p36.23.
Variant type: single nucleotide variant.
Coding change: c.4455C>A on transcript NM_001042681.2 (MANE Select); coding-DNA position 4455, C replaced by A.
Protein change: p.His1485Gln; replaces histidine 1485 with glutamine.
Molecular consequence: missense variant.
Genome position (GRCh38, 1-based): chr1:8,356,131, G>T on the plus strand (C>A on the coding strand, the complement: RERE is on the minus strand). VCF-style: chr1-8356131-G-T. GRCh37 (hg19) VCF-style: chr1-8416191-G-T.
Other names: c.2793C>A, p.His931Gln (NM_001042682.2); c.4455C>A, p.His1485Gln (NM_012102.4); short protein forms H1485Q, H931Q.
Identifiers: ClinVar variation 1313254 (VCV001313254.4), dbSNP rs200568184, ClinGen allele CA338168461.
Genomic context (GRCh38, chr1:8,356,131, plus strand): 5'-CCCCGCCCCTCCTGGAGGGGAAGTCTTACCGAAAACTGGGTGGCGAAGCATCTCGTGCTC[G>T]TGTGGGGGCTGTCCAAGCAGAGGGTTGGGGAGAGTGCCAGGCGGGTAGGGGAAGCGAGCC-3'
Protein context (NP_001036146.1, residues 1475-1495): LPNPLLGQPP[His1485Gln]EHEMLRHPVF